The following is an entry in ClinVar:

ClinVar aggregate classification (germline): Uncertain significance. Review status: criteria provided, multiple submitters, no conflicts (2 of 4 stars). 2 submissions from 2 submitters: Uncertain significance (2). Last evaluated 2022-09-17.

gnomAD v4.1: 37 of 1,613,464 alleles (0.0023%); highest among the groups gnomAD compares: Admixed American, 0.0033%; no homozygotes.

Submissions (2):

Labcorp Genetics (formerly Invitae), Labcorp
Classification: Uncertain significance. Last evaluated: 2022-09-17. Review status: criteria provided, single submitter. Criteria: Invitae Variant Classification Sherloc (09022015). Collection method: clinical testing. Allele origin: germline.
Comment: This sequence change replaces arginine, which is basic and polar, with histidine, which is basic and polar, at codon 56 of the EXOC6B protein (p.Arg56His). This variant is present in population databases (rs201814463, gnomAD 0.003%). This variant has not been reported in the literature in individuals affected with EXOC6B-related conditions. Experimental studies and prediction algorithms are not available or were not evaluated, and the functional significance of this variant is currently unknown. In summary, the available evidence is currently insufficient to determine the role of this variant in disease. Therefore, it has been classified as a Variant of Uncertain Significance.

Ambry Genetics
Classification: Uncertain significance. Last evaluated: 2022-04-22. Review status: criteria provided, single submitter. Criteria: Ambry Variant Classification Scheme 2023. Collection method: clinical testing. Allele origin: germline.

NM_015189.3(EXOC6B):c.167G>A (p.Arg56His)

Gene: EXOC6B (exocyst complex component 6B; minus strand). Cytogenetic location: 2p13.2.
Variant type: single nucleotide variant.
Coding change: c.167G>A on transcript NM_015189.3 (MANE Select); coding-DNA position 167, G replaced by A.
Protein change: p.Arg56His; replaces arginine 56 with histidine.
Molecular consequence: missense variant. On other transcripts: non-coding transcript variant (2), intron variant (1).
Genome position (GRCh38, 1-based): chr2:72,741,416, C>T on the plus strand (G>A on the coding strand, the complement: EXOC6B is on the minus strand). VCF-style: chr2-72741416-C-T. GRCh37 (hg19) VCF-style: chr2-72968545-C-T.
Other names: c.167G>A, p.Arg56His (NM_001321729.2, NM_001321730.2, NM_001321731.2 and 1 more transcripts); c.-60-8298G>A (NM_001321734.2); c.167G>A (NM_015189.1); short protein forms R56H.
Identifiers: ClinVar variation 2191605 (VCV002191605.2), dbSNP rs201814463, ClinGen allele CA1708814.